The following is an entry in ClinVar:

NM_000059.4(BRCA2):c.5599A>G (p.Thr1867Ala)

Gene: BRCA2 (BRCA2 DNA repair associated; plus strand). Cytogenetic location: 13q13.1.
Variant type: single nucleotide variant.
Coding change: c.5599A>G on transcript NM_000059.4 (MANE Select); coding-DNA position 5599, A replaced by G.
Protein change: p.Thr1867Ala; replaces threonine 1867 with alanine.
Molecular consequence: missense variant.
Genome position (GRCh38, 1-based): chr13:32,339,954, A>G. VCF-style: chr13-32339954-A-G. GRCh37 (hg19) VCF-style: chr13-32914091-A-G.
Other names: c.5599A>G, p.Thr1867Ala (NM_001406719.1, NM_001406720.1); short protein forms T1867A.
Identifiers: ClinVar variation 1748520 (VCV001748520.4), dbSNP rs2072533024, ClinGen allele CA387786058.

ClinVar aggregate classification (germline): Conflicting classifications of pathogenicity. Review status: criteria provided, conflicting classifications (1 of 4 stars). 2 submissions from 2 submitters: Uncertain significance (1); Likely benign (1). Last evaluated 2023-03-23.

Conditions:
Hereditary cancer-predisposing syndrome. Also called: Hereditary Cancer Syndrome; Hereditary neoplastic syndrome; Neoplastic Syndromes, Hereditary; Tumor predisposition. Identifiers: Orphanet 140162, MedGen C0027672, MeSH D009386, MONDO:0015356.

gnomAD v4.1: 1 of 1,609,916 alleles (0.000062%); no homozygotes.

Submissions (2):

University of Washington Department of Laboratory Medicine, University of Washington
Classification: Likely benign for Hereditary cancer-predisposing syndrome. Last evaluated: 2023-03-23. Review status: criteria provided, single submitter. Criteria: Dines et al. (Genet Med. 2020). Collection method: curation. Allele origin: germline.
Comment: Missense variant in a coldspot region where missense variants are very unlikely to be pathogenic (PMID:31911673).

BRCA2 exon 11 coldspot. Reclassification based on statistical prior probability.

Ambry Genetics
Classification: Uncertain significance for Hereditary cancer-predisposing syndrome. Last evaluated: 2015-11-19. Review status: criteria provided, single submitter. Criteria: Ambry Variant Classification Scheme 2023. Collection method: clinical testing. Allele origin: germline.
Comment: The p.T1867A variant (also known as c.5599A>G), located in coding exon 10 of the BRCA2 gene, results from an A to G substitution at nucleotide position 5599. The threonine at codon 1867 is replaced by alanine, an amino acid with similar properties. This variant was not reported in population based cohorts in the following databases: Database of Single Nucleotide Polymorphisms (dbSNP), NHLBI Exome Sequencing Project (ESP), and 1000 Genomes Project. In the ESP, this variant was not observed in 6502 samples (13004 alleles) with coverage at this position. To date, this alteration has been detected with an allele frequency of approximately 0.0004% (greater than 225000 alleles tested) in our clinical cohort. This amino acid position is not well conserved in available vertebrate species. In addition, this alteration is predicted to be tolerated by in silico analysis. Since supporting evidence is limited at this time, the clinical significance of p.T1867A remains unclear.